The following is an entry in ClinVar:

NM_018896.5(CACNA1G):c.884G>A (p.Gly295Asp)

Gene: CACNA1G (calcium voltage-gated channel subunit alpha1 G; plus strand). Cytogenetic location: 17q21.33.
Variant type: single nucleotide variant.
Coding change: c.884G>A on transcript NM_018896.5 (MANE Select); coding-DNA position 884, G replaced by A.
Protein change: p.Gly295Asp; replaces glycine 295 with aspartic acid.
Molecular consequence: missense variant. On other transcripts: non-coding transcript variant (5).
Genome position (GRCh38, 1-based): chr17:50,572,691, G>A. VCF-style: chr17-50572691-G-A. GRCh37 (hg19) VCF-style: chr17-48650052-G-A.
Other names: c.884G>A, p.Gly295Asp (NM_001256324.2, NM_001256325.2, NM_001256326.2 and 24 more transcripts); short protein forms G295D.
Identifiers: ClinVar variation 1803439 (VCV001803439.1), dbSNP rs2544798926, ClinGen allele CA400231818.

ClinVar aggregate classification (germline): Uncertain significance (1 of 4 stars; one submission).

Submission:

GeneDx
Classification: Uncertain significance. Last evaluated: 2022-06-10. Review status: criteria provided, single submitter. Criteria: GeneDx Variant Classification Process June 2021. Collection method: clinical testing. Allele origin: germline. Affected: yes.
Comment: Not observed at significant frequency in large population cohorts (gnomAD); In silico analysis supports that this missense variant does not alter protein structure/function; Has not been previously published as pathogenic or benign to our knowledge